The following is an entry in ClinVar:

ClinVar aggregate classification (germline): Conflicting classifications of pathogenicity. Review status: criteria provided, conflicting classifications (1 of 4 stars). 6 submissions from 5 submitters: Uncertain significance (1); Benign (1); Likely benign (4). Last evaluated 2025-12-24.

Conditions:
Emery-Dreifuss muscular dystrophy 4, autosomal dominant (EDMD4). Also called: EMERY-DREIFUSS MUSCULAR DYSTROPHY 4 WITH VARIABLE FEATURES. Identifiers: Orphanet 261, MedGen C2751807, MONDO:0013071, OMIM 612998.
Autosomal recessive ataxia, Beauce type. Also called: SYNE1 Deficiency; SYNE1-Related Autosomal Recessive Cerebellar Ataxia; ATAXIA, RECESSIVE, OF BEAUCE; Spinocerebellar ataxia, autosomal recessive 8. Identifiers: Orphanet 88644, MedGen C1853116, MONDO:0012549, OMIM 610743.

Allele frequency attached by ClinVar (database versions not stated): TOPMed 0.00008; gnomAD 0.00009; gnomAD exomes 0.00012 and 0.00025; ExAC 0.00014; ESP Exome Variant Server 0.00015.
gnomAD v4.1: 195 of 1,614,008 alleles (0.012%); highest among the groups gnomAD compares: Non-Finnish European, 0.0037%; 1 homozygote.

Submissions (6):

Labcorp Genetics (formerly Invitae), Labcorp
Classification: Likely benign for Emery-Dreifuss muscular dystrophy 4, autosomal dominant; Autosomal recessive ataxia, Beauce type. Last evaluated: 2025-12-24. Review status: criteria provided, single submitter. Criteria: Invitae Variant Classification Sherloc (09022015). Collection method: clinical testing. Allele origin: germline.

Blueprint Genetics
Classification: Likely benign. Last evaluated: 2024-08-05. Review status: criteria provided, single submitter. Criteria: ACMG Guidelines, 2015. Collection method: clinical testing. Allele origin: germline.

CeGaT Center for Human Genetics Tuebingen
Classification: Likely benign. Last evaluated: 2022-11-01. Review status: criteria provided, single submitter. Criteria: CeGaT Center For Human Genetics Tuebingen Variant Classification Criteria Version 2. Collection method: clinical testing. Allele origin: germline. Affected: yes. Observed: 2 variant alleles.
Comment: SYNE1: BP4, BP7

Illumina Laboratory Services, Illumina
Classification: Benign for Emery-Dreifuss muscular dystrophy 4, autosomal dominant. Last evaluated: 2018-01-13. Review status: criteria provided, single submitter. Criteria: ICSL Variant Classification Criteria 13 December 2019. Collection method: clinical testing. Allele origin: germline.
Comment: This variant was observed in the ICSL laboratory as part of a predisposition screen in an ostensibly healthy population. It had not been previously curated by ICSL or reported in the Human Gene Mutation Database (HGMD: prior to June 1st, 2018), and was therefore a candidate for classification through an automated scoring system. Utilizing variant allele frequency, disease prevalence and penetrance estimates, and inheritance mode, an automated score was calculated to assess if this variant is too frequent to cause the disease. Based on the score and internal cut-off values, a variant classified as benign is not then subjected to further curation. The score for this variant resulted in a classification of benign for this disease.

Illumina Laboratory Services, Illumina
Classification: Uncertain significance for Autosomal recessive ataxia, Beauce type. Last evaluated: 2018-01-13. Review status: criteria provided, single submitter. Criteria: ICSL Variant Classification Criteria 13 December 2019. Collection method: clinical testing. Allele origin: germline.

Eurofins Ntd Llc (ga)
Classification: Likely benign. Last evaluated: 2017-05-23. Review status: criteria provided, single submitter. Criteria: EGL Classification Definitions 2015. Collection method: clinical testing. Allele origin: germline. Observed: 2 variant alleles, 2 heterozygotes.

NM_182961.4(SYNE1):c.6969G>A (p.Val2323=)

Gene: SYNE1 (spectrin repeat containing nuclear envelope protein 1; minus strand). Cytogenetic location: 6q25.2.
Variant type: single nucleotide variant.
Coding change: c.6969G>A on transcript NM_182961.4 (MANE Select); coding-DNA position 6969, G replaced by A.
Protein change: p.Val2323=; no amino-acid change (valine 2323 retained).
Molecular consequence: synonymous variant.
Genome position (GRCh38, 1-based): chr6:152,401,198, C>T on the plus strand (G>A on the coding strand, the complement: SYNE1 is on the minus strand). VCF-style: chr6-152401198-C-T. GRCh37 (hg19) VCF-style: chr6-152722333-C-T.
Other names: c.6990G>A, p.Val2330= (NM_033071.5).
Identifiers: ClinVar variation 286042 (VCV000286042.46), dbSNP rs140986546, ClinGen allele CA4057956.
Genomic context (GRCh38, chr6:152,401,198, plus strand): 5'-CTTGACTTTTTTCAATGCTTCACAAGTCTCATTTTGGGCACAGTTCATCAACGATTCTTC[C>T]ACTTTTGTGAACCATGTTGTTATGTCATTAATAAACTTCTCCACTTGTGTACTTTGAGCC-3'
Protein context (NP_892006.3, residues 2313-2333): INDITTWFTK[Val2323=]EESLMNCAQN